The following is an entry in ClinVar:

NM_000023.4(SGCA):c.862del (p.Val288fs)

Gene: SGCA (sarcoglycan alpha; plus strand). Cytogenetic location: 17q21.33.
Variant type: Deletion.
Coding change: c.862del on transcript NM_000023.4 (MANE Select); coding-DNA position 862, one base deleted (G; older notation c.862delG).
Protein change: p.Val288fs; shifts the reading frame from valine 288.
Molecular consequence: frameshift variant. On other transcripts: intron variant (1).
Genome position (GRCh38, 1-based): chr17:50,170,257, G deleted; the last of 2 consecutive G bases (chr17:50,170,256-50,170,257); deleting either gives the same sequence. VCF-style (leftmost placement, unchanged base first): chr17-50170255-TG-T. GRCh37 (hg19) VCF-style: chr17-48247616-TG-T.
Other names: c.585-383del (NM_001135697.3); short protein forms V288fs.
Identifiers: ClinVar variation 1379390 (VCV001379390.6), dbSNP rs2144501024, ClinGen allele CA2573154210.

ClinVar aggregate classification (germline): Pathogenic (1 of 4 stars; one submission).

Conditions:
Autosomal recessive limb-girdle muscular dystrophy type 2D (LGMDR3). Also called: ADHALINOPATHY, PRIMARY; DUCHENNE-LIKE AUTOSOMAL RECESSIVE MUSCULAR DYSTROPHY, TYPE 2; MUSCULAR DYSTROPHY, LIMB-GIRDLE, AUTOSOMAL RECESSIVE 3. Identifiers: Orphanet 62, MedGen C2936332, MONDO:0011968, OMIM 608099. Disease mechanism: Affects gamma-sarcoglycan and also disrupts the integrity of the entire sarcoglycan complex..

Submission:

Labcorp Genetics (formerly Invitae), Labcorp
Classification: Pathogenic for Autosomal recessive limb-girdle muscular dystrophy type 2D. Last evaluated: 2021-07-21. Review status: criteria provided, single submitter. Criteria: Invitae Variant Classification Sherloc (09022015). Collection method: clinical testing. Allele origin: germline.
Comment: This variant has not been reported in the literature in individuals affected with SGCA-related conditions. This variant is not present in population databases (ExAC no frequency). This sequence change creates a premature translational stop signal (p.Val288Trpfs*33) in the SGCA gene. It is expected to result in an absent or disrupted protein product. Loss-of-function variants in SGCA are known to be pathogenic (PMID: 9192266). For these reasons, this variant has been classified as Pathogenic.

Literature cited by the submitters: PubMed 9192266.